The following is an entry in ClinVar:

ClinVar aggregate classification (germline): Likely pathogenic (1 of 4 stars; one submission).

Conditions:
Primary dilated cardiomyopathy (DCM). Also called: Dilated Cardiomyopathy. Identifiers: Orphanet 217604, MedGen C0007193, MeSH D002311, MONDO:0005021, HP:0001644. Inheritance: Various modes of inheritance.

Submission:

Lildballe Lab, Aarhus University Hospital
Classification: Likely pathogenic for dilated cardiomyopathy. Last evaluated: 2024-03-01. Review status: criteria provided, single submitter. Criteria: ACMG Guidelines, 2015. Collection method: research. Allele origin: germline. Affected: yes.
Comment: PVS1(vs), PM2(sup)

Literature cited by the submitters: PubMed 25741950; PubMed 39481677.

NM_001267550.2(TTN):c.92221_92276dup (p.Glu30760fs)

Genes: TTN (titin; minus strand), TTN-AS1 (TTN antisense RNA 1; plus strand). Cytogenetic location: 2q31.2.
Variant type: Duplication.
Coding change: c.92221_92276dup on transcript NM_001267550.2 (MANE Select); coding-DNA positions 92221 to 92276, 56 bases duplicated.
Protein change: p.Glu30760fs; shifts the reading frame from glutamic acid 30760.
Molecular consequence: frameshift variant.
Genome position (GRCh38, 1-based): chr2:178,549,350-178,549,405, 56 bases duplicated. GRCh37 (hg19): chr2:179,414,078-179,414,133.
Other names: c.87298_87353dup, p.Glu29119fs (NM_001256850.1); c.65026_65081dup, p.Glu21695fs (NM_003319.4); c.84517_84572dup, p.Glu28192fs (NM_133378.4); c.65401_65456dup, p.Glu21820fs (NM_133432.3); c.65602_65657dup, p.Glu21887fs (NM_133437.4); short protein forms E21695fs, E21820fs, E21887fs, E28192fs, E29119fs, E30760fs.
Identifiers: ClinVar variation 3338363 (VCV003338363.1).